The following is an entry in ClinVar:

ClinVar aggregate classification (germline): Likely benign. Review status: criteria provided, multiple submitters, no conflicts (2 of 4 stars). 3 submissions from 3 submitters: Likely benign (3). Last evaluated 2026-02-03.

Conditions:
Developmental and epileptic encephalopathy, 30 (DEE30). Also called: Epileptic encephalopathy, early infantile, 30. Identifiers: MedGen C4225360, MONDO:0014595, OMIM 616341.

Allele frequency attached by ClinVar (database versions not stated): ExAC 0.00007; gnomAD exomes 0.00007.

Submissions (3):

Labcorp Genetics (formerly Invitae), Labcorp
Classification: Likely benign for Developmental and epileptic encephalopathy, 30. Last evaluated: 2026-02-03. Review status: criteria provided, single submitter. Criteria: Invitae Variant Classification Sherloc (09022015). Collection method: clinical testing. Allele origin: germline.

Blueprint Genetics
Classification: Likely benign. Last evaluated: 2024-10-22. Review status: criteria provided, single submitter. Criteria: ACMG Guidelines, 2015. Collection method: clinical testing. Allele origin: germline.

CeGaT Center for Human Genetics Tuebingen
Classification: Likely benign. Last evaluated: 2023-06-01. Review status: criteria provided, single submitter. Criteria: CeGaT Center For Human Genetics Tuebingen Variant Classification Criteria Version 2. Collection method: clinical testing. Allele origin: germline. Affected: yes. Observed: 1 variant allele.
Comment: SIK1: BP4, BP7

NM_173354.5(SIK1):c.1641C>T (p.Ser547=)

Gene: SIK1 (salt inducible kinase 1; minus strand). Cytogenetic location: 21q22.3.
Variant type: single nucleotide variant.
Coding change: c.1641C>T on transcript NM_173354.5 (MANE Select); coding-DNA position 1641, C replaced by T.
Protein change: p.Ser547=; no amino-acid change (serine 547 retained).
Molecular consequence: synonymous variant.
Genome position (GRCh38, 1-based): chr21:43,418,363, G>A on the plus strand (C>T on the coding strand, the complement: SIK1 is on the minus strand). VCF-style: chr21-43418363-G-A. GRCh37 (hg19) VCF-style: chr21-44838243-G-A.
Identifiers: ClinVar variation 476092 (VCV000476092.37), dbSNP rs767618062, ClinGen allele CA321325373.